The following is an entry in ClinVar:

ClinVar aggregate classification (germline): Pathogenic/Likely pathogenic. Review status: criteria provided, multiple submitters, no conflicts (2 of 4 stars). 7 submissions from 7 submitters: Pathogenic (6); Likely pathogenic (1). Last evaluated 2025-07-29.

Conditions:
Leber congenital amaurosis (LCA). Also called: Leber's amaurosis. Identifiers: Orphanet 65, MedGen C0339527, MeSH D057130, MONDO:0018998.
Bardet-Biedl syndrome 14 (BBS14). Identifiers: Orphanet 110, MedGen C2673874, MONDO:0014442, OMIM 615991.
Leber congenital amaurosis 10 (LCA10). Identifiers: Orphanet 65, MedGen C1857821, MONDO:0012723, OMIM 611755.
Senior-Loken syndrome 6 (SLSN6). Identifiers: Orphanet 3156, MedGen C1857779, MONDO:0012433, OMIM 610189.
Meckel syndrome, type 4 (MKS4). Also called: MECKEL-GRUBER SYNDROME, TYPE 4. Identifiers: Orphanet 564, MedGen C1970161, MONDO:0012626, OMIM 611134.
Joubert syndrome 5 (JBTS5). Identifiers: Orphanet 2318, MedGen C1857780, MONDO:0012432, OMIM 610188.
Inborn genetic diseases. Identifiers: MedGen C0950123, MeSH D030342.
CEP290-related disorder. Also called: CEP290-related condition; CEP290-related disorders. Identifiers: MedGen CN239314.
Meckel-Gruber syndrome. Also called: Dysencephalia splachnocystica; DYSENCEPHALIA SPLANCHNOCYSTICA; GRUBER SYNDROME. Identifiers: Orphanet 564, MedGen C0265215, MONDO:0018921.
Joubert syndrome. Also called: Familial aplasia of the vermis; JOUBERT-BOLTSHAUSER SYNDROME. Identifiers: Orphanet 475, MedGen C5979921, MONDO:0018772.
Nephronophthisis. Also called: Juvenile Nephronophthisis. Identifiers: Orphanet 655, MedGen C0687120, MONDO:0019005, HP:0000090.

Submissions (7):

Natera, Inc.
Classification: Pathogenic for Leber congenital amaurosis. Last evaluated: 2025-07-29. Review status: criteria provided, single submitter. Criteria: Natera Variant Classification Schema (03/2026). Collection method: clinical testing. Allele origin: germline.
Comment: The c.5434_5435del variant in CEP290 is a frameshift variant predicted to shift the reading frame beginning at codon 1812 and leads to a stop codon 5 codons downstream. This variant is expected to result in nonsense mediated decay, truncation, or a dysfunctional protein product. This variant is rare in the general population with a frequency below the threshold expected for the associated phenotype(s). This variant has been observed in one or more individuals affected with the associated recessive disease, as either homozygous or compound heterozygous with a second variant (PMID: 17564967). Given the available evidence, this variant is classified as Pathogenic.

Labcorp Genetics (formerly Invitae), Labcorp
Classification: Pathogenic for Joubert syndrome; Meckel-Gruber syndrome; Nephronophthisis. Last evaluated: 2024-02-25. Review status: criteria provided, single submitter. Criteria: Invitae Variant Classification Sherloc (09022015). Collection method: clinical testing. Allele origin: germline.
Comment: This sequence change creates a premature translational stop signal (p.Glu1812Lysfs*5) in the CEP290 gene. It is expected to result in an absent or disrupted protein product. Loss-of-function variants in CEP290 are known to be pathogenic (PMID: 16909394, 17345604, 20690115). This variant is present in population databases (rs757609119, gnomAD 0.005%). This premature translational stop signal has been observed in individual(s) with Leber congenital amaurosis and nephfronophthisis (PMID: 17564967). This variant is also known as 5431_5433delGA. ClinVar contains an entry for this variant (Variation ID: 530918). For these reasons, this variant has been classified as Pathogenic.

Fulgent Genetics
Classification: Pathogenic for Joubert syndrome 5; Senior-Loken syndrome 6; Meckel syndrome, type 4; Leber congenital amaurosis 10; Bardet-Biedl syndrome 14. Last evaluated: 2024-01-12. Review status: criteria provided, single submitter. Criteria: ACMG Guidelines, 2015. Collection method: clinical testing. Allele origin: germline.

Baylor Genetics
Classification: Pathogenic for Bardet-Biedl syndrome 14. Last evaluated: 2023-11-26. Review status: criteria provided, single submitter. Criteria: ACMG Guidelines, 2015. Collection method: clinical testing. Allele origin: unknown.

GeneDx
Classification: Pathogenic. Last evaluated: 2023-01-09. Review status: criteria provided, single submitter. Criteria: GeneDx Variant Classification Process June 2021. Collection method: clinical testing. Allele origin: germline. Affected: yes.
Comment: Frameshift variant predicted to result in protein truncation or nonsense mediated decay in a gene for which loss of function is a known mechanism of disease; Not observed at significant frequency in large population cohorts (gnomAD); This variant is associated with the following publications: (PMID: 31589614, 17564967, 35764379)

Blueprint Genetics
Classification: Likely pathogenic for CEP290-related disorders. Last evaluated: 2020-03-13. Review status: criteria provided, single submitter. Criteria: ACMG Guidelines, 2015. Collection method: clinical testing. Allele origin: germline. Affected: yes. Observed: 1 variant allele.

Ambry Genetics
Classification: Pathogenic for Inborn genetic diseases. Last evaluated: 2019-01-30. Review status: criteria provided, single submitter. Criteria: Ambry exome assertion method (8-5-2015). Collection method: clinical testing. Allele origin: germline. Affected: yes. Observed: 1 variant allele.

Literature cited by the submitters: PubMed 17564967 (cited by Natera, Inc. and Labcorp Genetics (formerly Invitae), Labcorp); PubMed 16909394 (cited by Labcorp Genetics (formerly Invitae), Labcorp); PubMed 17345604 (cited by Labcorp Genetics (formerly Invitae), Labcorp); PubMed 20690115 (cited by Labcorp Genetics (formerly Invitae), Labcorp).

NM_025114.4(CEP290):c.5434_5435del (p.Glu1812fs)

Gene: CEP290 (centrosomal protein 290; minus strand). Cytogenetic location: 12q21.32.
Variant type: Microsatellite.
Coding change: c.5434_5435del on transcript NM_025114.4 (MANE Select); coding-DNA positions 5434 to 5435, 2 bases deleted (GA; older notation c.5434_5435delGA).
Protein change: p.Glu1812fs; shifts the reading frame from glutamic acid 1812.
Molecular consequence: frameshift variant.
Genome position (GRCh38, 1-based): chr12:88,077,848-88,077,849, TC deleted on the plus strand (GA on the coding strand, the reverse complement: CEP290 is on the minus strand); deleting any 2 consecutive bases within chr12:88,077,848-88,077,852 gives the same sequence; the c. name uses the placement nearest the transcript's 3' end. VCF-style (leftmost placement, unchanged base first): chr12-88077847-TTC-T. GRCh37 (hg19) VCF-style: chr12-88471624-TTC-T.
Other names: c.5434_5435del (NM_025114.3); c.5434_5435delGA (NM_025114.3); short protein forms E1812fs.
Identifiers: ClinVar variation 530918 (VCV000530918.19), dbSNP rs757609119, ClinGen allele CA6711716.